The following is an entry in ClinVar:

ClinVar aggregate classification (germline): Uncertain significance. Review status: criteria provided, multiple submitters, no conflicts (2 of 4 stars). 4 submissions from 4 submitters: Uncertain significance (4). Last evaluated 2025-12-01.

Conditions:
Pierson syndrome. Also called: MICROCORIA-CONGENITAL NEPHROTIC SYNDROME. Identifiers: Orphanet 2670, MedGen C1836876, MONDO:0012184, OMIM 609049.
LAMB2-related infantile-onset nephrotic syndrome. Also called: NEPHROTIC SYNDROME, TYPE 5, WITHOUT OCULAR ABNORMALITIES; NEPHROTIC SYNDROME, TYPE 5, WITH OCULAR ABNORMALITIES; Nephrotic Syndrome, type 5. Identifiers: Orphanet 306507, MedGen C3280113, MONDO:0013621, OMIM 614199.
focal and segmental glomerulosclerosis.
Inborn genetic diseases. Identifiers: MedGen C0950123, MeSH D030342.

Allele frequency attached by ClinVar (database versions not stated): gnomAD 0.00003; TOPMed 0.00003; 1000 Genomes Project 0.00020; 1000 Genomes Project 30x 0.00031.
gnomAD v4.1: 27 of 1,613,498 alleles (0.0017%); highest among the groups gnomAD compares: East Asian, 0.025%; 1 homozygote.

Submissions (4):

Labcorp Genetics (formerly Invitae), Labcorp
Classification: Uncertain significance for LAMB2-related infantile-onset nephrotic syndrome; Pierson syndrome. Last evaluated: 2025-12-01. Review status: criteria provided, single submitter. Criteria: Invitae Variant Classification Sherloc (09022015). Collection method: clinical testing. Allele origin: germline.
Comment: This sequence change replaces methionine, which is neutral and non-polar, with lysine, which is basic and polar, at codon 729 of the LAMB2 protein (p.Met729Lys). This variant is present in population databases (rs376660822, gnomAD 0.02%). This variant has not been reported in the literature in individuals affected with LAMB2-related conditions. ClinVar contains an entry for this variant (Variation ID: 1513161). An algorithm developed to predict the effect of missense changes on protein structure and function (PolyPhen-2) suggests that this variant is likely to be tolerated. In summary, the available evidence is currently insufficient to determine the role of this variant in disease. Therefore, it has been classified as a Variant of Uncertain Significance.

Fulgent Genetics
Classification: Uncertain significance for Pierson syndrome; LAMB2-related infantile-onset nephrotic syndrome. Last evaluated: 2024-04-11. Review status: criteria provided, single submitter. Criteria: ACMG Guidelines, 2015. Collection method: clinical testing. Allele origin: germline.

Ambry Genetics
Classification: Uncertain significance for Inborn genetic diseases. Last evaluated: 2023-10-10. Review status: criteria provided, single submitter. Criteria: Ambry Variant Classification Scheme 2023. Collection method: clinical testing. Allele origin: germline.

Clinical Genomics Laboratory, Stanford Medicine
Classification: Uncertain significance for Focal and Segmental Glomerulosclerosis; Pierson syndrome. Last evaluated: 2022-10-31. Review status: criteria provided, single submitter. Criteria: ACMG Guidelines, 2015. Collection method: clinical testing. Allele origin: germline. Observed: 1 variant allele, 1 heterozygote.

NM_002292.4(LAMB2):c.2186T>A (p.Met729Lys)

Gene: LAMB2 (laminin subunit beta 2; minus strand). Cytogenetic location: 3p21.31.
Variant type: single nucleotide variant.
Coding change: c.2186T>A on transcript NM_002292.4 (MANE Select); coding-DNA position 2186, T replaced by A.
Protein change: p.Met729Lys; replaces methionine 729 with lysine.
Molecular consequence: missense variant.
Genome position (GRCh38, 1-based): chr3:49,126,125, A>T on the plus strand (T>A on the coding strand, the complement: LAMB2 is on the minus strand). VCF-style: chr3-49126125-A-T. GRCh37 (hg19) VCF-style: chr3-49163558-A-T.
Other names: c.2186T>A (NM_002292.3); short protein forms M729K.
Identifiers: ClinVar variation 1513161 (VCV001513161.12), dbSNP rs376660822, ClinGen allele CA2394360.